The following is an entry in ClinVar:

NM_000138.5(FBN1):c.4985C>A (p.Thr1662Lys)

Gene: FBN1 (fibrillin 1; minus strand). Cytogenetic location: 15q21.1.
Variant type: single nucleotide variant.
Coding change: c.4985C>A on transcript NM_000138.5 (MANE Select); coding-DNA position 4985, C replaced by A.
Protein change: p.Thr1662Lys; replaces threonine 1662 with lysine.
Molecular consequence: missense variant.
Genome position (GRCh38, 1-based): chr15:48,463,979, G>T on the plus strand (C>A on the coding strand, the complement: FBN1 is on the minus strand). VCF-style: chr15-48463979-G-T. GRCh37 (hg19) VCF-style: chr15-48756176-G-T.
Other names: short protein forms T1662K.
Identifiers: ClinVar variation 263788 (VCV000263788.5), dbSNP rs886038924, ClinGen allele CA10587822.
Genomic context (GRCh38, chr15:48,463,979, plus strand): 5'-TTCACTTGCATGTAGTCTGGAGGACAGATACAGGTGTAGTTGCCAACGGTGTTGTAACAT[G>T]TCCCTGGACCACAGATTCCAGGAGTCTCACATTCATTCACATCTATAATCCAAAGAGAAA-3'
Protein context (NP_000129.3, residues 1652-1672): CETPGICGPG[Thr1662Lys]CYNTVGNYTC

ClinVar aggregate classification (germline): Uncertain significance. Review status: criteria provided, multiple submitters, no conflicts (2 of 4 stars). 3 submissions from 3 submitters: Uncertain significance (3). Last evaluated 2025-03-04.

Conditions:
Cardiovascular phenotype. Identifiers: MedGen CN230736.
Marfan syndrome (MFS). Also called: MARFAN SYNDROME, TYPE I; FBN1-Related Marfan Syndrome; Marfan syndrome, classic; Marfan syndrome type 1; Marfan's syndrome. Identifiers: Orphanet 284963, Orphanet 558, MedGen C0024796, MONDO:0007947, OMIM 154700.
Familial thoracic aortic aneurysm and aortic dissection (TAAD). Also called: Thoracic aortic aneurysms and dissections. Identifiers: Orphanet 91387, MedGen C4707243, MONDO:0019625.

gnomAD v4.1: 1 of 1,613,580 alleles (0.000062%); highest among the groups gnomAD compares: Non-Finnish European, 0.000085%; no homozygotes.

Submissions (3):

Labcorp Genetics (formerly Invitae), Labcorp
Classification: Uncertain significance for Marfan syndrome; Familial thoracic aortic aneurysm and aortic dissection. Last evaluated: 2025-03-04. Review status: criteria provided, single submitter. Criteria: Invitae Variant Classification Sherloc (09022015). Collection method: clinical testing. Allele origin: germline.
Comment: This sequence change replaces threonine, which is neutral and polar, with lysine, which is basic and polar, at codon 1662 of the FBN1 protein (p.Thr1662Lys). This variant is not present in population databases (gnomAD no frequency). This missense change has been observed in individual(s) with clinical features of FBN1-related conditions (internal data). ClinVar contains an entry for this variant (Variation ID: 263788). Invitae Evidence Modeling of protein sequence and biophysical properties (such as structural, functional, and spatial information, amino acid conservation, physicochemical variation, residue mobility, and thermodynamic stability) indicates that this missense variant is expected to disrupt FBN1 protein function with a positive predictive value of 95%. In summary, the available evidence is currently insufficient to determine the role of this variant in disease. Therefore, it has been classified as a Variant of Uncertain Significance.

GeneDx
Classification: Uncertain significance. Last evaluated: 2024-01-14. Review status: criteria provided, single submitter. Criteria: GeneDx Variant Classification Process June 2021. Collection method: clinical testing. Allele origin: germline. Affected: yes.
Comment: Not observed at significant frequency in large population cohorts (gnomAD); In silico analysis supports that this missense variant has a deleterious effect on protein structure/function; Has not been previously published as pathogenic or benign to our knowledge; Although located in a calcium-binding EGF-like domain of the FBN1 gene, it does not affect a cysteine residue within this domain; cysteine substitutions in the calcium-binding EGF-like domains represent the majority of pathogenic missense changes associated with FBN1-related disorders (PMID: 12938084); This variant is associated with the following publications: (PMID: 12938084)

Ambry Genetics
Classification: Uncertain significance for Cardiovascular phenotype. Last evaluated: 2013-09-27. Review status: criteria provided, single submitter. Criteria: Ambry Autosomal Dominant and X-Linked criteria (10/2015). Collection method: clinical testing. Allele origin: germline. Observed: 1 variant allele.
Comment: The p.T1662K variant (also known as c.4985C>A) is located in coding exon 40 of the FBN1 gene. This alteration results from a C to A substitution at nucleotide position 4985. The threonine at codon 1662 is replaced by lysine, an amino acid with some dissimilar properties. This variant was not reported in population-based cohorts in the following databases: Database of Single Nucleotide Polymorphisms (dbSNP), NHLBI Exome Sequencing Project (ESP) and 1000 Genomes Project. Based on protein sequence alignment, this amino acid position is conserved in available vertebrate species except for fish, and lysine is present in pufferfish. In addition, this alteration is predicted to be probably damaging by PolyPhen but tolerated by SIFT in silico analyses. Since supporting evidence is limited at this time, the clinical significance of this variant remains unclear.